The following is an entry in ClinVar:

NM_004963.4(GUCY2C):c.349T>C (p.Cys117Arg)

Genes: GUCY2C (guanylate cyclase 2C; minus strand), GUCY2C-AS1 (GUCY2C antisense RNA 1; plus strand). Cytogenetic location: 12p12.3.
Variant type: single nucleotide variant.
Coding change: c.349T>C on transcript NM_004963.4 (MANE Select); coding-DNA position 349, T replaced by C.
Protein change: p.Cys117Arg; replaces cysteine 117 with arginine.
Molecular consequence: missense variant.
Genome position (GRCh38, 1-based): chr12:14,686,207, A>G on the plus strand (T>C on the coding strand, the complement: GUCY2C is on the minus strand). VCF-style: chr12-14686207-A-G. GRCh37 (hg19) VCF-style: chr12-14839141-A-G.
Other names: short protein forms C117R.
Identifiers: ClinVar variation 3663056 (VCV003663056.2).

ClinVar aggregate classification (germline): Uncertain significance (1 of 4 stars; one submission).

Submission:

Labcorp Genetics (formerly Invitae), Labcorp
Classification: Uncertain significance. Last evaluated: 2025-01-23. Review status: criteria provided, single submitter. Criteria: Invitae Variant Classification Sherloc (09022015). Collection method: clinical testing. Allele origin: germline.
Comment: This sequence change replaces cysteine, which is neutral and slightly polar, with arginine, which is basic and polar, at codon 117 of the GUCY2C protein (p.Cys117Arg). This variant is not present in population databases (gnomAD no frequency). This variant has not been reported in the literature in individuals affected with GUCY2C-related conditions. Invitae Evidence Modeling of protein sequence and biophysical properties (such as structural, functional, and spatial information, amino acid conservation, physicochemical variation, residue mobility, and thermodynamic stability) has been performed for this missense variant. However, the output from this modeling did not meet the statistical confidence thresholds required to predict the impact of this variant on GUCY2C protein function. In summary, the available evidence is currently insufficient to determine the role of this variant in disease. Therefore, it has been classified as a Variant of Uncertain Significance.